The following is an entry in ClinVar:

NM_001039141.3(TRIOBP):c.-3A>G

Gene: TRIOBP (TRIO and F-actin binding protein; plus strand). Cytogenetic location: 22q13.1.
Variant type: single nucleotide variant.
Coding change: c.-3A>G on transcript NM_001039141.3 (MANE Select); 3 bases upstream of the start codon, A replaced by G.
Molecular consequence: 5 prime UTR variant.
Genome position (GRCh38, 1-based): chr22:37,701,363, A>G. VCF-style: chr22-37701363-A-G. GRCh37 (hg19) VCF-style: chr22-38097370-A-G.
Identifiers: ClinVar variation 229354 (VCV000229354.7), dbSNP rs779160270, ClinGen allele CA10223203.

ClinVar aggregate classification (germline): Uncertain significance. Review status: criteria provided, single submitter (1 of 4 stars). 2 submissions from 2 submitters: Uncertain significance (1). 1 of the submissions does not count toward it. Last evaluated 2015-03-02.

Conditions:
TRIOBP-related disorder. Also called: TRIOBP-related condition.

Allele frequency attached by ClinVar (database versions not stated): TOPMed below 0.00001; ExAC 0.00001; gnomAD 0.00001; gnomAD exomes 0.00001 and 0.00002.
gnomAD v4.1: 18 of 1,611,402 alleles (0.0011%); highest among the groups gnomAD compares: East Asian, 0.0089%; no homozygotes.

Submissions (2):

Laboratory for Molecular Medicine, Mass General Brigham Personalized Medicine
Classification: Uncertain significance. Last evaluated: 2015-03-02. Review status: criteria provided, single submitter. Criteria: LMM Criteria. Collection method: clinical testing. Allele origin: germline. Observed: 1 variant allele.
Comment: Variant classified as Uncertain Significance - Favor Benign. The c.-3A>G variant in TRIOBP has not been previously reported in individuals with hearing loss, bu t has been identified in 1/7502 East Asian chromosomes by the Exome Aggregation Consortium (ExAC). This variant is located in th e 5'UTR. The nucleotide position at c.-3 is not conserved through species, with many mammals having a G at this position. Although this variant is more likel y to be benign, additional information is needed to fully assess its clinical si gnificance.

PreventionGenetics, part of Exact Sciences
Classification: Likely benign for TRIOBP-related condition. Last evaluated: 2019-07-08. Review status: no assertion criteria provided. Collection method: clinical testing. Allele origin: germline. Not counted in ClinVar's aggregate classification.
Comment: This variant is classified as likely benign based on ACMG/AMP sequence variant interpretation guidelines (Richards et al. 2015 PMID: 25741868, with internal and published modifications).